The following is an entry in ClinVar:

ClinVar aggregate classification (germline): Uncertain significance (1 of 4 stars; one submission).

Conditions:
Neurofibromatosis, type 1 (NF1). Also called: Neurofibromatosis, type I; VON RECKLINGHAUSEN DISEASE; NEUROFIBROMATOSIS, TYPE I, SOMATIC; Peripheral type neurofibromatosis. Identifiers: Orphanet 636, MedGen C0027831, MONDO:0018975, OMIM 162200. Disease mechanism: loss of function.

Submission:

Labcorp Genetics (formerly Invitae), Labcorp
Classification: Uncertain significance for Neurofibromatosis, type 1. Last evaluated: 2024-10-22. Review status: criteria provided, single submitter. Criteria: Invitae Variant Classification Sherloc (09022015). Collection method: clinical testing. Allele origin: germline.
Comment: This sequence change replaces alanine, which is neutral and non-polar, with threonine, which is neutral and polar, at codon 243 of the NF1 protein (p.Ala243Thr). This variant is not present in population databases (gnomAD no frequency). This variant has not been reported in the literature in individuals affected with NF1-related conditions. ClinVar contains an entry for this variant (Variation ID: 2086645). Invitae Evidence Modeling of protein sequence and biophysical properties (such as structural, functional, and spatial information, amino acid conservation, physicochemical variation, residue mobility, and thermodynamic stability) indicates that this missense variant is expected to disrupt NF1 protein function with a positive predictive value of 95%. In summary, the available evidence is currently insufficient to determine the role of this variant in disease. Therefore, it has been classified as a Variant of Uncertain Significance.

NM_001042492.3(NF1):c.727G>A (p.Ala243Thr)

Gene: NF1 (neurofibromin 1; plus strand). Cytogenetic location: 17q11.2.
Variant type: single nucleotide variant.
Coding change: c.727G>A on transcript NM_001042492.3 (MANE Select); coding-DNA position 727, G replaced by A.
Protein change: p.Ala243Thr; replaces alanine 243 with threonine.
Molecular consequence: missense variant.
Genome position (GRCh38, 1-based): chr17:31,181,782, G>A. VCF-style: chr17-31181782-G-A. GRCh37 (hg19) VCF-style: chr17-29508800-G-A.
Other names: c.727G>A, p.Ala243Thr (NM_000267.4, NM_001128147.3); short protein forms A243T.
Identifiers: ClinVar variation 2086645 (VCV002086645.4), dbSNP rs2143778528, ClinGen allele CA398990232.